The following is an entry in ClinVar:

ClinVar aggregate classification (germline): Uncertain significance. Review status: criteria provided, multiple submitters, no conflicts (2 of 4 stars). 2 submissions from 2 submitters: Uncertain significance (2). Last evaluated 2018-05-21.

Conditions:
Nemaline myopathy 6 (NEM6). Also called: Nemaline myopathy 6, autosomal dominant. Identifiers: Orphanet 171439, MedGen C1836472, MONDO:0012237, OMIM 609273.

Submissions (2):

Labcorp Genetics (formerly Invitae), Labcorp
Classification: Uncertain significance for Nemaline myopathy 6. Last evaluated: 2018-05-21. Review status: criteria provided, single submitter. Criteria: Invitae Variant Classification Sherloc (09022015). Collection method: clinical testing. Allele origin: germline.
Comment: This sequence change replaces tryptophan with cysteine at codon 330 of the KBTBD13 protein (p.Trp330Cys). The tryptophan residue is highly conserved and there is a large physicochemical difference between tryptophan and cysteine. This variant is not present in population databases (ExAC no frequency). This variant has not been reported in the literature in individuals with KBTBD13-related disease. ClinVar contains an entry for this variant (Variation ID: 424530). Algorithms developed to predict the effect of missense changes on protein structure and function are either unavailable or do not agree on the potential impact of this missense change (SIFT: "Deleterious"; PolyPhen-2: "Probably Damaging"; Align-GVGD: "Class C0"). In summary, the available evidence is currently insufficient to determine the role of this variant in disease. Therefore, it has been classified as a Variant of Uncertain Significance.

GeneDx
Classification: Uncertain significance. Last evaluated: 2017-03-30. Review status: criteria provided, single submitter. Criteria: GeneDx Variant Classification (06012015). Collection method: clinical testing. Allele origin: germline. Affected: yes.
Comment: The W330C variant in the KBTBD13 gene has not been reported previously as a pathogenic variant, nor as a benign variant, to our knowledge. The W330C variant is not observed in large population cohorts (Lek et al., 2016; 1000 Genomes Consortium et al., 2015; Exome Variant Server). The W330C variant is a non-conservative amino acid substitution, which is likely to impact secondary protein structure as these residues differ in polarity, charge, size and/or other properties. Additionally, this substitution occurs at a position in the Kelch 4 repeat that is conserved across species and in silico analysis predicts this variant is probably damaging to the protein structure/function. We interpret W330C as a variant of uncertain significance.

NM_001101362.3(KBTBD13):c.990G>C (p.Trp330Cys)

Gene: KBTBD13 (kelch repeat and BTB domain containing 13; plus strand). Cytogenetic location: 15q22.31.
Variant type: single nucleotide variant.
Coding change: c.990G>C on transcript NM_001101362.3 (MANE Select); coding-DNA position 990, G replaced by C.
Protein change: p.Trp330Cys; replaces tryptophan 330 with cysteine.
Molecular consequence: missense variant.
Genome position (GRCh38, 1-based): chr15:65,077,805, G>C. VCF-style: chr15-65077805-G-C. GRCh37 (hg19) VCF-style: chr15-65370143-G-C.
Other names: short protein forms W330C.
Identifiers: ClinVar variation 424530 (VCV000424530.9), dbSNP rs1064797021, ClinGen allele CA16619988.